The following is an entry in ClinVar:

ClinVar aggregate classification (germline): Uncertain significance (1 of 4 stars; one submission).

Submission:

GeneDx
Classification: Uncertain significance. Last evaluated: 2023-07-18. Review status: criteria provided, single submitter. Criteria: GeneDx Variant Classification Process June 2021. Collection method: clinical testing. Allele origin: germline. Affected: yes.
Comment: Not observed at significant frequency in large population cohorts (gnomAD); In silico analysis supports that this missense variant has a deleterious effect on protein structure/function; Observed in an individual with aplastic anemia/paroxysmal nocturnal hemoglobinuria (PNH) (Nagata et al., 2018); This variant is associated with the following publications: (PMID: 28545555, 36880537, 30322869)

NM_152703.5(SAMD9L):c.999G>T (p.Trp333Cys)

Gene: SAMD9L (sterile alpha motif domain containing 9 like; minus strand). Cytogenetic location: 7q21.2.
Variant type: single nucleotide variant.
Coding change: c.999G>T on transcript NM_152703.5 (MANE Select); coding-DNA position 999, G replaced by T.
Protein change: p.Trp333Cys; replaces tryptophan 333 with cysteine.
Molecular consequence: missense variant.
Genome position (GRCh38, 1-based): chr7:93,134,973, C>A on the plus strand (G>T on the coding strand, the complement: SAMD9L is on the minus strand). VCF-style: chr7-93134973-C-A. GRCh37 (hg19) VCF-style: chr7-92764286-C-A.
Other names: c.999G>T, p.Trp333Cys (NM_001303496.3, NM_001303497.3, NM_001303498.3 and 5 more transcripts); short protein forms W333C.
Identifiers: ClinVar variation 3340690 (VCV003340690.1).